The following is an entry in ClinVar:

ClinVar aggregate classification (germline): Uncertain significance (0 of 4 stars; one submission).

Conditions:
KANK2-related disorder. Also called: KANK2-related condition.

gnomAD v4.1: 2 of 1,585,100 alleles (0.00013%); highest among the groups gnomAD compares: South Asian, 0.0011%; no homozygotes.

Submission:

PreventionGenetics, part of Exact Sciences
Classification: Uncertain significance for KANK2-related condition. Last evaluated: 2024-03-28. Review status: no assertion criteria provided. Collection method: clinical testing. Allele origin: germline.
Comment: The KANK2 c.469G>A variant is predicted to result in the amino acid substitution p.Ala157Thr. To our knowledge, this variant has not been reported in the literature or in a large population database, indicating this variant is rare. At this time, the clinical significance of this variant is uncertain due to the absence of conclusive functional and genetic evidence.

NM_001136191.3(KANK2):c.469G>A (p.Ala157Thr)

Gene: KANK2 (KN motif and ankyrin repeat domains 2; minus strand). Cytogenetic location: 19p13.2.
Variant type: single nucleotide variant.
Coding change: c.469G>A on transcript NM_001136191.3 (MANE Select); coding-DNA position 469, G replaced by A.
Protein change: p.Ala157Thr; replaces alanine 157 with threonine.
Molecular consequence: missense variant.
Genome position (GRCh38, 1-based): chr19:11,193,611, C>T on the plus strand (G>A on the coding strand, the complement: KANK2 is on the minus strand). VCF-style: chr19-11193611-C-T. GRCh37 (hg19) VCF-style: chr19-11304287-C-T.
Other names: c.469G>A, p.Ala157Thr (NM_001329451.2, NM_001379548.1, NM_001379549.1 and 15 more transcripts); short protein forms A157T.
Identifiers: ClinVar variation 3349345 (VCV003349345.1).